The following is an entry in ClinVar:

ClinVar aggregate classification (germline): Pathogenic (1 of 4 stars; one submission).

Submission:

CeGaT Center for Human Genetics Tuebingen
Classification: Pathogenic. Last evaluated: 2026-09-01. Review status: criteria provided, single submitter. Criteria: CeGaT Center For Human Genetics Tuebingen Variant Classification Criteria Version 2. Collection method: clinical testing. Allele origin: germline. Affected: yes. Observed: 1 variant allele.
Comment: PAH: PM1, PM2, PM5, PP4:Moderate, PM3:Supporting, PP3

NM_000277.3(PAH):c.762C>A (p.Phe254Leu)

Gene: PAH (phenylalanine hydroxylase; minus strand). Cytogenetic location: 12q23.2.
Variant type: single nucleotide variant.
Coding change: c.762C>A on transcript NM_000277.3 (MANE Select); coding-DNA position 762, C replaced by A.
Protein change: p.Phe254Leu; replaces phenylalanine 254 with leucine.
Molecular consequence: missense variant.
Genome position (GRCh38, 1-based): chr12:102,852,895, G>T on the plus strand (C>A on the coding strand, the complement: PAH is on the minus strand). VCF-style: chr12-102852895-G-T. GRCh37 (hg19) VCF-style: chr12-103246673-G-T.
Other names: c.762C>A, p.Phe254Leu (NM_001354304.2); short protein forms F254L.
Identifiers: ClinVar variation 5041851 (VCV005041851.1).